The following is an entry in ClinVar:

ClinVar aggregate classification (germline): Uncertain significance (1 of 4 stars; one submission).

Submission:

GeneDx
Classification: Uncertain significance. Last evaluated: 2025-07-16. Review status: criteria provided, single submitter. Criteria: GeneDx Variant Classification Process June 2021. Collection method: clinical testing. Allele origin: germline. Affected: yes.
Comment: Reported de novo in individuals from large cohort studies with neurodevelopmental disorders, but detailed clinical information was not provided and these individuals were also reported to have de novo variants in other genes as well (PMID: 35982159); Not observed at significant frequency in large population cohorts (gnomAD); In silico analysis supports that this missense variant has a deleterious effect on protein structure/function; De novo variant with confirmed parentage in patients referred for genetic testing at GeneDx; however, the reported clinical features are only partially consistent with the features typically observed in individuals with pathogenic variants in this gene; This variant is associated with the following publications: (PMID: 33057194, 35982159)

NM_001458.5(FLNC):c.758A>G (p.Tyr253Cys)

Gene: FLNC (filamin C; plus strand). Cytogenetic location: 7q32.1.
Variant type: single nucleotide variant.
Coding change: c.758A>G on transcript NM_001458.5 (MANE Select); coding-DNA position 758, A replaced by G.
Protein change: p.Tyr253Cys; replaces tyrosine 253 with cysteine.
Molecular consequence: missense variant.
Genome position (GRCh38, 1-based): chr7:128,837,456, A>G. VCF-style: chr7-128837456-A-G. GRCh37 (hg19) VCF-style: chr7-128477510-A-G.
Other names: c.758A>G, p.Tyr253Cys (NM_001127487.2); short protein forms Y253C.
Identifiers: ClinVar variation 4686113 (VCV004686113.1).